The following is an entry in ClinVar:

NM_005559.4(LAMA1):c.1346C>A (p.Pro449Gln)

Gene: LAMA1 (laminin subunit alpha 1; minus strand). Cytogenetic location: 18p11.31.
Variant type: single nucleotide variant.
Coding change: c.1346C>A on transcript NM_005559.4 (MANE Select); coding-DNA position 1346, C replaced by A.
Protein change: p.Pro449Gln; replaces proline 449 with glutamine.
Molecular consequence: missense variant.
Genome position (GRCh38, 1-based): chr18:7,040,152, G>T on the plus strand (C>A on the coding strand, the complement: LAMA1 is on the minus strand). VCF-style: chr18-7040152-G-T. GRCh37 (hg19) VCF-style: chr18-7040151-G-T.
Other names: short protein forms P449Q.
Identifiers: ClinVar variation 1900672 (VCV001900672.3), dbSNP rs780915302, ClinGen allele CA401834967.

ClinVar aggregate classification (germline): Uncertain significance (1 of 4 stars; one submission).

Allele frequency attached by ClinVar (database versions not stated): gnomAD 0.00001.
gnomAD v4.1: 6 of 1,613,926 alleles (0.00037%); highest among the groups gnomAD compares: Non-Finnish European, 0.00051%; no homozygotes.

Submission:

Labcorp Genetics (formerly Invitae), Labcorp
Classification: Uncertain significance. Last evaluated: 2023-12-11. Review status: criteria provided, single submitter. Criteria: Invitae Variant Classification Sherloc (09022015). Collection method: clinical testing. Allele origin: germline.
Comment: This sequence change replaces proline, which is neutral and non-polar, with glutamine, which is neutral and polar, at codon 449 of the LAMA1 protein (p.Pro449Gln). This variant is not present in population databases (gnomAD no frequency). This variant has not been reported in the literature in individuals affected with LAMA1-related conditions. ClinVar contains an entry for this variant (Variation ID: 1900672). An algorithm developed to predict the effect of missense changes on protein structure and function (PolyPhen-2) suggests that this variant is likely to be disruptive. In summary, the available evidence is currently insufficient to determine the role of this variant in disease. Therefore, it has been classified as a Variant of Uncertain Significance.